The following is an entry in ClinVar:

NM_021831.6(AGBL5):c.2326C>T (p.Arg776Trp)

Gene: AGBL5 (AGBL carboxypeptidase 5; plus strand). Cytogenetic location: 2p23.3.
Variant type: single nucleotide variant.
Coding change: c.2326C>T on transcript NM_021831.6 (MANE Select); coding-DNA position 2326, C replaced by T.
Protein change: p.Arg776Trp; replaces arginine 776 with tryptophan.
Molecular consequence: missense variant. On other transcripts: non-coding transcript variant (2).
Genome position (GRCh38, 1-based): chr2:27,068,715, C>T. VCF-style: chr2-27068715-C-T. GRCh37 (hg19) VCF-style: chr2-27291583-C-T.
Other names: c.2326C>T, p.Arg776Trp (NM_001035506.1); short protein forms R776W.
Identifiers: ClinVar variation 1902193 (VCV001902193.5), dbSNP rs949087832, ClinGen allele CA44459880.

ClinVar aggregate classification (germline): Uncertain significance (1 of 4 stars; one submission).

Allele frequency attached by ClinVar (database versions not stated): gnomAD exomes 0.00001; TOPMed 0.00001.
gnomAD v4.1: 11 of 1,613,976 alleles (0.00068%); highest among the groups gnomAD compares: African/African-American, 0.0027%; no homozygotes.

Submission:

Labcorp Genetics (formerly Invitae), Labcorp
Classification: Uncertain significance. Last evaluated: 2022-05-21. Review status: criteria provided, single submitter. Criteria: Invitae Variant Classification Sherloc (09022015). Collection method: clinical testing. Allele origin: germline.
Comment: This variant is present in population databases (no rsID available, gnomAD 0.0009%). In summary, the available evidence is currently insufficient to determine the role of this variant in disease. Therefore, it has been classified as a Variant of Uncertain Significance. Algorithms developed to predict the effect of missense changes on protein structure and function are either unavailable or do not agree on the potential impact of this missense change (SIFT: "Deleterious"; PolyPhen-2: "Possibly Damaging"; Align-GVGD: "Class C0"). This variant has not been reported in the literature in individuals affected with AGBL5-related conditions. This sequence change replaces arginine, which is basic and polar, with tryptophan, which is neutral and slightly polar, at codon 776 of the AGBL5 protein (p.Arg776Trp).